The following is an entry in ClinVar:

NM_003730.6(RNASET2):c.642C>T (p.Thr214=)

Gene: RNASET2 (ribonuclease T2; minus strand). Cytogenetic location: 6q27.
Variant type: single nucleotide variant.
Coding change: c.642C>T on transcript NM_003730.6 (MANE Select); coding-DNA position 642, C replaced by T.
Protein change: p.Thr214=; no amino-acid change (threonine 214 retained).
Molecular consequence: synonymous variant.
Genome position (GRCh38, 1-based): chr6:166,929,717, G>A on the plus strand (C>T on the coding strand, the complement: RNASET2 is on the minus strand). VCF-style: chr6-166929717-G-A. GRCh37 (hg19) VCF-style: chr6-167343205-G-A.
Identifiers: ClinVar variation 1596938 (VCV001596938.12), dbSNP rs201960492, ClinGen allele CA4094833.
Genomic context (GRCh38, chr6:166,929,717, plus strand): 5'-CTCGGCGGCCCCATTTGCCAGCCAGACTTCCTGCTTGGGGGACGGCTGCTCCCCCGGCTC[G>A]GTGCAGTTTTGCAGCTGCTGGTCTTGCTTAGTGAGGCACAGTTCTATCTGACCAATTGTC-3'
Protein context (NP_003721.2, residues 204-224): TKQDQQLQNC[Thr214=]EPGEQPSPKQ

ClinVar aggregate classification (germline): Likely benign. Review status: criteria provided, multiple submitters, no conflicts (2 of 4 stars). 2 submissions from 2 submitters: Likely benign (2). Last evaluated 2026-02-01.

Allele frequency attached by ClinVar (database versions not stated): ExAC 0.00004; gnomAD 0.00007; TOPMed 0.00008; 1000 Genomes Project 30x 0.00016; 1000 Genomes Project 0.00020; ESP Exome Variant Server 0.00023; gnomAD exomes 0.00001 and 0.00003.
gnomAD v4.1: 32 of 1,614,010 alleles (0.002%); highest among the groups gnomAD compares: African/African-American, 0.025%; no homozygotes.

Submissions (2):

CeGaT Center for Human Genetics Tuebingen
Classification: Likely benign. Last evaluated: 2026-02-01. Review status: criteria provided, single submitter. Criteria: CeGaT Center For Human Genetics Tuebingen Variant Classification Criteria Version 2. Collection method: clinical testing. Allele origin: germline. Affected: yes. Observed: 1 variant allele.
Comment: RNASET2: BP4, BP7

Labcorp Genetics (formerly Invitae), Labcorp
Classification: Likely benign. Last evaluated: 2024-12-07. Review status: criteria provided, single submitter. Criteria: Invitae Variant Classification Sherloc (09022015). Collection method: clinical testing. Allele origin: germline.